The following is an entry in ClinVar:

ClinVar aggregate classification (germline): Uncertain significance (1 of 4 stars; one submission).

Submission:

Women's Health and Genetics/Laboratory Corporation of America, LabCorp
Classification: Uncertain significance. Last evaluated: 2024-03-25. Review status: criteria provided, single submitter. Criteria: LabCorp Variant Classification Summary - May 2015. Collection method: clinical testing. Allele origin: germline.
Comment: Variant summary: DOLK c.527A>G (p.Tyr176Cys) results in a non-conservative amino acid change in the encoded protein sequence. Five of five in-silico tools predict a damaging effect of the variant on protein function. The variant was absent in 251234 control chromosomes (gnomAD). The available data on variant occurrences in the general population are insufficient to allow any conclusion about variant significance. c.527A>G has been reported in the literature in at-least one individual affected with global development delay and epilepsy (example: Peng_2019). This report does not provide unequivocal conclusions about association of the variant with DK1-Congenital Disorder Of Glycosylation. To our knowledge, no experimental evidence demonstrating an impact on protein function has been reported. The following publication has been ascertained in the context of this evaluation (PMID: 29933521). No submitters have cited clinical-significance assessments for this variant to ClinVar. Based on the evidence outlined above, the variant was classified as uncertain significance.

Literature cited by the submitters: PubMed 29933521.

NM_014908.4(DOLK):c.527A>G (p.Tyr176Cys)

Gene: DOLK (dolichol kinase; minus strand). Cytogenetic location: 9q34.11.
Variant type: single nucleotide variant.
Coding change: c.527A>G on transcript NM_014908.4 (MANE Select); coding-DNA position 527, A replaced by G.
Protein change: p.Tyr176Cys; replaces tyrosine 176 with cysteine.
Molecular consequence: missense variant.
Genome position (GRCh38, 1-based): chr9:128,946,777, T>C on the plus strand (A>G on the coding strand, the complement: DOLK is on the minus strand). VCF-style: chr9-128946777-T-C. GRCh37 (hg19) VCF-style: chr9-131709056-T-C.
Other names: short protein forms Y176C.
Identifiers: ClinVar variation 3233777 (VCV003233777.2), dbSNP rs1841677777, ClinGen allele CA375125192.